The following is an entry in ClinVar:

NM_016239.4(MYO15A):c.350_363del (p.Tyr117fs)

Gene: MYO15A (myosin XVA; plus strand). Cytogenetic location: 17p11.2.
Variant type: Deletion.
Coding change: c.350_363del on transcript NM_016239.4 (MANE Select); coding-DNA positions 350 to 363, 14 bases deleted (ACGGCCGCCTGCGG).
Protein change: p.Tyr117fs; shifts the reading frame from tyrosine 117.
Molecular consequence: frameshift variant.
Genome position (GRCh38, 1-based): chr17:18,119,150-18,119,163, ACGGCCGCCTGCGG deleted. VCF-style (leftmost placement, unchanged base first): chr17-18119149-TACGGCCGCCTGCGG-T. GRCh37 (hg19) VCF-style: chr17-18022463-TACGGCCGCCTGCGG-T.
Other names: short protein forms Y117fs.
Identifiers: ClinVar variation 1379512 (VCV001379512.6), dbSNP rs1366586397, ClinGen allele CA625315014.

ClinVar aggregate classification (germline): Pathogenic (1 of 4 stars; one submission).

Allele frequency attached by ClinVar (database versions not stated): gnomAD exomes below 0.00001; TOPMed below 0.00001.

Submission:

Labcorp Genetics (formerly Invitae), Labcorp
Classification: Pathogenic. Last evaluated: 2023-10-29. Review status: criteria provided, single submitter. Criteria: Invitae Variant Classification Sherloc (09022015). Collection method: clinical testing. Allele origin: germline.
Comment: This sequence change creates a premature translational stop signal (p.Tyr117Serfs*106) in the MYO15A gene. It is expected to result in an absent or disrupted protein product. Loss-of-function variants in MYO15A are known to be pathogenic (PMID: 17546645). This variant is present in population databases (no rsID available, gnomAD 0.003%). This variant has not been reported in the literature in individuals affected with MYO15A-related conditions. ClinVar contains an entry for this variant (Variation ID: 1379512). For these reasons, this variant has been classified as Pathogenic.

Literature cited by the submitters: PubMed 17546645.